The following is an entry in ClinVar:

ClinVar aggregate classification (germline): Uncertain significance (1 of 4 stars; one submission).

gnomAD v4.1: 2 of 1,614,112 alleles (0.00012%); highest among the groups gnomAD compares: East Asian, 0.0022%; no homozygotes.

Submission:

GeneDx
Classification: Uncertain significance. Last evaluated: 2024-03-26. Review status: criteria provided, single submitter. Criteria: GeneDx Variant Classification Process June 2021. Collection method: clinical testing. Allele origin: germline. Affected: yes.
Comment: Not observed at significant frequency in large population cohorts (gnomAD); In silico analysis supports that this missense variant does not alter protein structure/function; Has not been previously published as pathogenic or benign to our knowledge

NM_031418.4(ANO3):c.166C>T (p.Leu56Phe)

Gene: ANO3 (anoctamin 3; plus strand). Cytogenetic location: 11p14.2.
Variant type: single nucleotide variant.
Coding change: c.166C>T on transcript NM_031418.4 (MANE Select); coding-DNA position 166, C replaced by T.
Protein change: p.Leu56Phe; replaces leucine 56 with phenylalanine.
Molecular consequence: missense variant.
Genome position (GRCh38, 1-based): chr11:26,442,037, C>T. VCF-style: chr11-26442037-C-T. GRCh37 (hg19) VCF-style: chr11-26463584-C-T.
Other names: c.349C>T, p.Leu117Phe (NM_001313726.2); short protein forms L117F, L56F.
Identifiers: ClinVar variation 3371493 (VCV003371493.1).
Genomic context (GRCh38, chr11:26,442,037, plus strand): 5'-TCCCTGCCTTGCCTCGCCCAGAGCTACGCTTACTCAAAGAGCTTGAGCCAGTCTACTTCC[C>T]TCTTCCAGTCAACCGAGAGTGAATCTCAGGCTCCCACATCTATAACCTTAATCTCCACTG-3'
Protein context (NP_113606.2, residues 46-66): YSKSLSQSTS[Leu56Phe]FQSTESESQA